The following is an entry in ClinVar:

ClinVar aggregate classification (germline): Pathogenic/Likely pathogenic. Review status: criteria provided, multiple submitters, no conflicts (2 of 4 stars). 3 submissions from 3 submitters: Pathogenic (1); Likely pathogenic (2). Last evaluated 2024-10-14.

Conditions:
Medium-chain acyl-coenzyme A dehydrogenase deficiency (ACADMD). Also called: MCADH DEFICIENCY; MCADD; ACADM DEFICIENCY; CARNITINE DEFICIENCY SECONDARY TO MEDIUM-CHAIN ACYL-CoA DEHYDROGENASE DEFICIENCY; MCAD Deficiency; Medium chain acyl-CoA dehydrogenase deficiency. Identifiers: Orphanet 42, MedGen C0220710, MONDO:0008721, OMIM 201450.

Allele frequency attached by ClinVar (database versions not stated): gnomAD exomes below 0.00001.
gnomAD v4.1: 2 of 1,614,178 alleles (0.00012%); highest among the groups gnomAD compares: East Asian, 0.0045%; no homozygotes.

Submissions (3):

Natera, Inc.
Classification: Likely pathogenic for Medium Chain Acyl-CoA Dehydrogenase Deficiency. Last evaluated: 2024-10-14. Review status: criteria provided, single submitter. Criteria: Natera Variant Classification Schema (03/2026). Collection method: clinical testing. Allele origin: germline.
Comment: The c.1040G>T variant in ACADM is a missense variant predicted to cause substitution of glycine to valine at amino acid 347. This variant is rare in the general population with a frequency below the threshold expected for the associated phenotype(s). This variant has been observed in one or more individuals affected with the associated recessive disease, as either homozygous or compound heterozygous with a second variant (PMID: 20434380, 33841490, 35034956). Computational prediction algorithms indicate this variant is likely to affect gene or protein function. Given the available evidence, this variant is classified as Likely Pathogenic.

Baylor Genetics
Classification: Likely pathogenic for Medium-chain acyl-coenzyme A dehydrogenase deficiency. Last evaluated: 2023-07-12. Review status: criteria provided, single submitter. Criteria: ACMG Guidelines, 2015. Collection method: clinical testing. Allele origin: unknown.

Labcorp Genetics (formerly Invitae), Labcorp
Classification: Pathogenic for Medium-chain acyl-coenzyme A dehydrogenase deficiency. Last evaluated: 2023-05-19. Review status: criteria provided, single submitter. Criteria: Invitae Variant Classification Sherloc (09022015). Collection method: clinical testing. Allele origin: germline.
Comment: For these reasons, this variant has been classified as Pathogenic. Advanced modeling of protein sequence and biophysical properties (such as structural, functional, and spatial information, amino acid conservation, physicochemical variation, residue mobility, and thermodynamic stability) performed at Invitae indicates that this missense variant is expected to disrupt ACADM protein function. This missense change has been observed in individual(s) with medium-chain acyl-coenzyme A dehydrogenase deficiency (PMID: 20434380, 33841490, 35034956). In at least one individual the data is consistent with being in trans (on the opposite chromosome) from a pathogenic variant. This variant is not present in population databases (gnomAD no frequency). This sequence change replaces glycine, which is neutral and non-polar, with valine, which is neutral and non-polar, at codon 347 of the ACADM protein (p.Gly347Val).

Literature cited by the submitters: PubMed 20434380 (cited by Natera, Inc. and Labcorp Genetics (formerly Invitae), Labcorp); PubMed 33841490 (cited by Natera, Inc. and Labcorp Genetics (formerly Invitae), Labcorp); PubMed 35034956 (cited by Natera, Inc. and Labcorp Genetics (formerly Invitae), Labcorp).

NM_000016.6(ACADM):c.1040G>T (p.Gly347Val)

Gene: ACADM (acyl-CoA dehydrogenase medium chain; plus strand). Cytogenetic location: 1p31.1.
Variant type: single nucleotide variant.
Coding change: c.1040G>T on transcript NM_000016.6 (MANE Select); coding-DNA position 1040, G replaced by T.
Protein change: p.Gly347Val; replaces glycine 347 with valine.
Molecular consequence: missense variant.
Genome position (GRCh38, 1-based): chr1:75,761,216, G>T. VCF-style: chr1-75761216-G-T. GRCh37 (hg19) VCF-style: chr1-76226901-G-T.
Other names: c.1052G>T, p.Gly351Val (NM_001127328.3); c.932G>T, p.Gly311Val (NM_001286042.2); c.1139G>T, p.Gly380Val (NM_001286043.2); c.473G>T, p.Gly158Val (NM_001286044.2); short protein forms G158V, G311V, G347V, G351V, G380V.
Identifiers: ClinVar variation 2679893 (VCV002679893.5), dbSNP rs1648832398, ClinGen allele CA340818045.